The following is an entry in ClinVar:

ClinVar aggregate classification (germline): Uncertain significance (1 of 4 stars; one submission).

Conditions:
Progressive microcephaly-seizures-cortical blindness-developmental delay syndrome. Also called: Seizures, cortical blindness, and microcephaly syndrome. Identifiers: Orphanet 477814, MedGen C5567650, MONDO:0014714, OMIM 616632.
Autosomal dominant nonsyndromic hearing loss 1. Also called: KONIGSMARK SYNDROME; DEAFNESS, AUTOSOMAL DOMINANT 1, WITH OR WITHOUT THROMBOCYTOPENIA. Identifiers: Orphanet 90635, MedGen C1852282, MONDO:0007424, OMIM 124900.

Allele frequency attached by ClinVar (database versions not stated): gnomAD exomes below 0.00001.
gnomAD v4.1: 3 of 1,599,262 alleles (0.00019%); highest among the groups gnomAD compares: Non-Finnish European, 0.00026%; no homozygotes.

Submission:

Labcorp Genetics (formerly Invitae), Labcorp
Classification: Uncertain significance for Progressive microcephaly-seizures-cortical blindness-developmental delay syndrome; Autosomal dominant nonsyndromic hearing loss 1. Last evaluated: 2023-03-13. Review status: criteria provided, single submitter. Criteria: Invitae Variant Classification Sherloc (09022015). Collection method: clinical testing. Allele origin: germline.
Comment: In summary, the available evidence is currently insufficient to determine the role of this variant in disease. Therefore, it has been classified as a Variant of Uncertain Significance. Variants that disrupt the consensus splice site are a relatively common cause of aberrant splicing (PMID: 17576681, 9536098). Algorithms developed to predict the effect of sequence changes on RNA splicing suggest that this variant may disrupt the consensus splice site. ClinVar contains an entry for this variant (Variation ID: 583322). This variant has not been reported in the literature in individuals affected with DIAPH1-related conditions. This variant is not present in population databases (gnomAD no frequency). This sequence change falls in intron 12 of the DIAPH1 gene. It does not directly change the encoded amino acid sequence of the DIAPH1 protein. It affects a nucleotide within the consensus splice site.

Literature cited by the submitters: PubMed 17576681; PubMed 9536098.

NM_005219.5(DIAPH1):c.1280+3A>G

Gene: DIAPH1 (diaphanous related formin 1; minus strand). Cytogenetic location: 5q31.3.
Variant type: single nucleotide variant.
Coding change: c.1280+3A>G on transcript NM_005219.5 (MANE Select); 3 bases into the intron after coding-DNA position 1280, A replaced by G.
Molecular consequence: intron variant.
Genome position (GRCh38, 1-based): chr5:141,577,472, T>C on the plus strand (A>G on the coding strand, the complement: DIAPH1 is on the minus strand). VCF-style: chr5-141577472-T-C. GRCh37 (hg19) VCF-style: chr5-140957039-T-C.
Other names: c.1253+3A>G (NM_001079812.3); c.1280+3A>G (NM_001314007.2).
Identifiers: ClinVar variation 583322 (VCV000583322.7), dbSNP rs747583916, ClinGen allele CA891842529.